The following is an entry in ClinVar:

NM_182961.4(SYNE1):c.245G>T (p.Arg82Leu)

Gene: SYNE1 (spectrin repeat containing nuclear envelope protein 1; minus strand). Cytogenetic location: 6q25.2.
Variant type: single nucleotide variant.
Coding change: c.245G>T on transcript NM_182961.4 (MANE Select); coding-DNA position 245, G replaced by T.
Protein change: p.Arg82Leu; replaces arginine 82 with leucine.
Molecular consequence: missense variant.
Genome position (GRCh38, 1-based): chr6:152,520,523, C>A on the plus strand (G>T on the coding strand, the complement: SYNE1 is on the minus strand). VCF-style: chr6-152520523-C-A. GRCh37 (hg19) VCF-style: chr6-152841658-C-A.
Other names: c.245G>T, p.Arg82Leu (NM_033071.5); short protein forms R82L.
Identifiers: ClinVar variation 285644 (VCV000285644.20), dbSNP rs143900928, ClinGen allele CA4059818.
Genomic context (GRCh38, chr6:152,520,523, plus strand): 5'-CTTCCTTCGAGGAACTTGAGTGCCGTGCCAATGTTAGCCACAGCATGGATTCGCTTCATC[C>A]GGCGTCCTTGTTCACAAGGCTGTAAAAAGTGGGGTAAAAAAGGGAATGAGACAAAATCTG-3'
Protein context (NP_892006.3, residues 72-92): GQKLPCEQGR[Arg82Leu]MKRIHAVANI

ClinVar aggregate classification (germline): Conflicting classifications of pathogenicity. Review status: criteria provided, conflicting classifications (1 of 4 stars). 9 submissions from 8 submitters: Uncertain significance (8); Benign (1). Last evaluated 2024-10-17.

Conditions:
Emery-Dreifuss muscular dystrophy 4, autosomal dominant (EDMD4). Also called: EMERY-DREIFUSS MUSCULAR DYSTROPHY 4 WITH VARIABLE FEATURES. Identifiers: Orphanet 261, MedGen C2751807, MONDO:0013071, OMIM 612998.
Inborn genetic diseases. Identifiers: MedGen C0950123, MeSH D030342.
Autosomal recessive ataxia, Beauce type. Also called: Spinocerebellar ataxia, autosomal recessive 8; SYNE1-Related Autosomal Recessive Cerebellar Ataxia; SYNE1 Deficiency; ATAXIA, RECESSIVE, OF BEAUCE. Identifiers: Orphanet 88644, MedGen C1853116, MONDO:0012549, OMIM 610743.
Arthrogryposis multiplex congenita 3, myogenic type. Also called: ARTHROGRYPOSIS MULTIPLEX CONGENITA, MYOGENIC TYPE. Identifiers: MedGen C5193121, MONDO:0032778, OMIM 618484.

Allele frequency attached by ClinVar (database versions not stated): TOPMed 0.00007; ESP Exome Variant Server 0.00015.
gnomAD v4.1: 295 of 1,613,614 alleles (0.018%); highest among the groups gnomAD compares: South Asian, 0.15%; no homozygotes.

Submissions (9):

Blueprint Genetics
Classification: Uncertain significance. Last evaluated: 2024-10-17. Review status: criteria provided, single submitter. Criteria: ACMG Guidelines, 2015. Collection method: clinical testing. Allele origin: germline.

Revvity Omics, Revvity
Classification: Uncertain significance. Last evaluated: 2024-01-18. Review status: criteria provided, single submitter. Criteria: ACMG Guidelines, 2015. Collection method: clinical testing. Allele origin: germline.

Labcorp Genetics (formerly Invitae), Labcorp
Classification: Uncertain significance for Emery-Dreifuss muscular dystrophy 4, autosomal dominant; Autosomal recessive ataxia, Beauce type. Last evaluated: 2024-01-09. Review status: criteria provided, single submitter. Criteria: Invitae Variant Classification Sherloc (09022015). Collection method: clinical testing. Allele origin: germline.
Comment: This sequence change replaces arginine, which is basic and polar, with leucine, which is neutral and non-polar, at codon 82 of the SYNE1 protein (p.Arg82Leu). This variant is present in population databases (rs143900928, gnomAD 0.1%). This variant has not been reported in the literature in individuals affected with SYNE1-related conditions. ClinVar contains an entry for this variant (Variation ID: 285644). An algorithm developed to predict the effect of missense changes on protein structure and function (PolyPhen-2) suggests that this variant¬†is likely to be tolerated. In summary, the available evidence is currently insufficient to determine the role of this variant in disease. Therefore, it has been classified as a Variant of Uncertain Significance.

Athena Diagnostics
Classification: Uncertain significance. Last evaluated: 2022-10-04. Review status: criteria provided, single submitter. Criteria: Athena Diagnostics Criteria. Collection method: clinical testing. Allele origin: unknown.
Comment: Available data are insufficient to determine the clinical significance of the variant at this time. The frequency of this variant in the general population is higher than would generally be expected for pathogenic variants in this gene. Computational tools disagree on the variant's effect on normal protein function.

Ambry Genetics
Classification: Uncertain significance for Inborn genetic diseases. Last evaluated: 2021-08-12. Review status: criteria provided, single submitter. Criteria: Ambry Variant Classification Scheme 2023. Collection method: clinical testing. Allele origin: germline.

GeneDx
Classification: Uncertain significance. Last evaluated: 2021-06-19. Review status: criteria provided, single submitter. Criteria: GeneDx Variant Classification Process June 2021. Collection method: clinical testing. Allele origin: germline. Affected: yes.
Comment: In silico analysis supports that this missense variant has a deleterious effect on protein structure/function; Has not been previously published as pathogenic or benign to our knowledge; This variant is associated with the following publications: (PMID: 27535533)

Illumina Laboratory Services, Illumina
Classification: Benign for Emery-Dreifuss muscular dystrophy 4, autosomal dominant. Last evaluated: 2018-01-13. Review status: criteria provided, single submitter. Criteria: ICSL Variant Classification Criteria 13 December 2019. Collection method: clinical testing. Allele origin: germline.
Comment: This variant was observed in the ICSL laboratory as part of a predisposition screen in an ostensibly healthy population. It had not been previously curated by ICSL or reported in the Human Gene Mutation Database (HGMD: prior to June 1st, 2018), and was therefore a candidate for classification through an automated scoring system. Utilizing variant allele frequency, disease prevalence and penetrance estimates, and inheritance mode, an automated score was calculated to assess if this variant is too frequent to cause the disease. Based on the score and internal cut-off values, a variant classified as benign is not then subjected to further curation. The score for this variant resulted in a classification of benign for this disease.

Illumina Laboratory Services, Illumina
Classification: Uncertain significance for Autosomal recessive ataxia, Beauce type. Last evaluated: 2018-01-13. Review status: criteria provided, single submitter. Criteria: ICSL Variant Classification Criteria 13 December 2019. Collection method: clinical testing. Allele origin: germline.

Eurofins Ntd Llc (ga)
Classification: Uncertain significance. Last evaluated: 2016-01-26. Review status: criteria provided, single submitter. Criteria: EGL Classification Definitions 2015. Collection method: clinical testing. Allele origin: germline. Observed: 3 variant alleles, 3 heterozygotes.